The following is an entry in ClinVar:

NM_001015877.2(PHF6):c.434G>A (p.Ser145Asn)

Gene: PHF6 (PHD finger protein 6; plus strand). Cytogenetic location: Xq26.2.
Variant type: single nucleotide variant.
Coding change: c.434G>A on transcript NM_001015877.2 (MANE Select); coding-DNA position 434, G replaced by A.
Protein change: p.Ser145Asn; replaces serine 145 with asparagine.
Molecular consequence: missense variant.
Genome position (GRCh38, 1-based): chrX:134,413,506, G>A. VCF-style: chrX-134413506-G-A. GRCh37 (hg19) VCF-style: chrX-133547536-G-A.
Other names: c.437G>A, p.Ser146Asn (NM_032335.3); c.434G>A, p.Ser145Asn (NM_032458.3); short protein forms S145N, S146N.
Identifiers: ClinVar variation 3766150 (VCV003766150.2).

ClinVar aggregate classification (germline): Uncertain significance (1 of 4 stars; one submission).

gnomAD v4.1: 6 of 1,210,715 alleles (0.0005%); highest among the groups gnomAD compares: Non-Finnish European, 0.00067%; no homozygotes.

Submission:

GeneDx
Classification: Uncertain significance. Last evaluated: 2026-01-04. Review status: criteria provided, single submitter. Criteria: GeneDx Variant Classification Process June 2021. Collection method: clinical testing. Allele origin: germline.
Comment: Reported in a proband with Brjeson-Forssman-Lehmann syndrome; however, detailed clinical information was not provided (PMID: 38787418); Not observed at significant frequency in large population cohorts (gnomAD); In silico analysis suggests that this missense variant does not alter protein structure/function; This variant is associated with the following publications: (PMID: 38787418)